The following is an entry in ClinVar:

ClinVar aggregate classification (germline): Likely benign (1 of 4 stars; one submission).

Allele frequency attached by ClinVar (database versions not stated): TOPMed 0.00473; 1000 Genomes Project 30x 0.00406; gnomAD 0.00427 and 0.00454; 1000 Genomes Project 0.00439.
gnomAD v4.1: 1,173 of 1,464,744 alleles (0.08%); highest among the groups gnomAD compares: African/African-American, 1.5%; 9 homozygotes.

Submission:

GeneDx
Classification: Likely benign. Last evaluated: 2018-06-16. Review status: criteria provided, single submitter. Criteria: GeneDx Variant Classification (06012015). Collection method: clinical testing. Allele origin: germline. Affected: yes.
Comment: This variant is considered likely benign or benign based on one or more of the following criteria: it is a conservative change, it occurs at a poorly conserved position in the protein, it is predicted to be benign by multiple in silico algorithms, and/or has population frequency not consistent with disease.

NM_001018005.2(TPM1):c.851+189C>G

Gene: TPM1 (tropomyosin 1; plus strand). Cytogenetic location: 15q22.2.
Variant type: single nucleotide variant.
Coding change: c.851+189C>G on transcript NM_001018005.2 (MANE Select); 189 bases into the intron after coding-DNA position 851, C replaced by G.
Molecular consequence: intron variant. On other transcripts: 3 prime UTR variant (2).
Genome position (GRCh38, 1-based): chr15:63,064,331, C>G. VCF-style: chr15-63064331-C-G. GRCh37 (hg19) VCF-style: chr15-63356530-C-G.
Other names: c.*185C>G (NM_001365781.2, NM_001365782.1); c.898+1686C>G (NM_001365778.1); c.772+1686C>G (NM_001018020.2, NM_001018007.2, NM_001018006.2 and 2 more transcripts); c.851+189C>G (NM_001301244.2); c.44+141C>G (NM_000366.6, NM_001365779.1); c.773-1565C>G (NM_001365777.1); c.664+1686C>G (NM_001330351.2, NM_001330344.2, NM_001018008.2 and 1 more transcripts); c.743+189C>G (NM_001330346.2); and 1 more.
Identifiers: ClinVar variation 675882 (VCV000675882.1), dbSNP rs111924332, ClinGen allele CA272035450.